The following is an entry in ClinVar:

NM_176824.3(BBS7):c.-7A>G

Genes: BBS7 (Bardet-Biedl syndrome 7; minus strand), LOC129993036 (ATAC-STARR-seq lymphoblastoid active region 21872; plus strand). Cytogenetic location: 4q27.
Variant type: single nucleotide variant.
Coding change: c.-7A>G on transcript NM_176824.3 (MANE Select); 7 bases upstream of the start codon, A replaced by G.
Molecular consequence: 5 prime UTR variant.
Genome position (GRCh38, 1-based): chr4:121,870,320, T>C on the plus strand (A>G on the coding strand, the complement: BBS7 is on the minus strand). VCF-style: chr4-121870320-T-C. GRCh37 (hg19) VCF-style: chr4-122791475-T-C.
Other names: c.-7A>G (NM_018190.4).
Identifiers: ClinVar variation 3351550 (VCV003351550.1).

ClinVar aggregate classification (germline): Likely benign (0 of 4 stars; one submission).

Conditions:
BBS7-related disorder. Also called: BBS7-related condition.

gnomAD v4.1: 2 of 1,614,146 alleles (0.00012%); highest among the groups gnomAD compares: Admixed American, 0.0033%; no homozygotes.

Submission:

PreventionGenetics, part of Exact Sciences
Classification: Likely benign for BBS7-related condition. Last evaluated: 2020-06-12. Review status: no assertion criteria provided. Collection method: clinical testing. Allele origin: germline.
Comment: This variant is classified as likely benign based on ACMG/AMP sequence variant interpretation guidelines (Richards et al. 2015 PMID: 25741868, with internal and published modifications).